The following is an entry in ClinVar:

NM_000127.3(EXT1):c.1624G>T (p.Glu542Ter)

Gene: EXT1 (exostosin glycosyltransferase 1; minus strand). Cytogenetic location: 8q24.11.
Variant type: single nucleotide variant.
Coding change: c.1624G>T on transcript NM_000127.3 (MANE Select); coding-DNA position 1624, G replaced by T.
Protein change: p.Glu542Ter; replaces glutamic acid 542 with a stop codon.
Molecular consequence: nonsense.
Genome position (GRCh38, 1-based): chr8:117,818,443, C>A on the plus strand (G>T on the coding strand, the complement: EXT1 is on the minus strand). VCF-style: chr8-117818443-C-A. GRCh37 (hg19) VCF-style: chr8-118830682-C-A.
Other names: short protein forms E542*.
Identifiers: ClinVar variation 1453875 (VCV001453875.6), dbSNP rs2129736434, ClinGen allele CA371883048.
Genomic context (GRCh38, chr8:117,818,443, plus strand): 5'-AGAAACCAAGGCTCCACAGTGGTTCCACATATAGGTCCCCTTCGAGTCTTACCTTGCTCT[C>A]TCCTTCAATGACGACGACAGGCACAGCAGTGGCAGGCCAGCGGTGTTTGGCTGGTAGGGG-3'

ClinVar aggregate classification (germline): Pathogenic (1 of 4 stars; one submission).

Conditions:
Multiple congenital exostosis (EXT). Also called: Multiple osteochondromas; MULTIPLE CARTILAGINOUS EXOSTOSES; Hereditary multiple exostoses; Hereditary multiple exostosis; Hereditary multiple osteochondromas; Multiple exostoses. Identifiers: Orphanet 321, MedGen C0015306, MONDO:0005508, HP:0002762.

Submission:

Labcorp Genetics (formerly Invitae), Labcorp
Classification: Pathogenic for Multiple congenital exostosis. Last evaluated: 2022-09-13. Review status: criteria provided, single submitter. Criteria: Invitae Variant Classification Sherloc (09022015). Collection method: clinical testing. Allele origin: germline.
Comment: For these reasons, this variant has been classified as Pathogenic. ClinVar contains an entry for this variant (Variation ID: 1453875). This premature translational stop signal has been observed in individual(s) with clincial features of multiple osteochondromas (PMID: 19810120). This variant is not present in population databases (gnomAD no frequency). This sequence change creates a premature translational stop signal (p.Glu542*) in the EXT1 gene. It is expected to result in an absent or disrupted protein product. Loss-of-function variants in EXT1 are known to be pathogenic (PMID: 10679937, 11391482, 19810120).

Literature cited by the submitters: PubMed 19810120; PubMed 10679937; PubMed 11391482.